The following is an entry in ClinVar:

ClinVar aggregate classification (germline): Uncertain significance (1 of 4 stars; one submission).

Allele frequency attached by ClinVar (database versions not stated): ExAC 0.00013.
gnomAD v4.1: 63 of 1,613,588 alleles (0.0039%); highest among the groups gnomAD compares: Admixed American, 0.1%; no homozygotes.

Submission:

Labcorp Genetics (formerly Invitae), Labcorp
Classification: Uncertain significance. Last evaluated: 2026-01-08. Review status: criteria provided, single submitter. Criteria: Invitae Variant Classification Sherloc (09022015). Collection method: clinical testing. Allele origin: germline.
Comment: This sequence change replaces alanine, which is neutral and non-polar, with threonine, which is neutral and polar, at codon 183 of the SLC7A9 protein (p.Ala183Thr). This variant is present in population databases (rs201766636, gnomAD 0.1%). This variant has not been reported in the literature in individuals affected with SLC7A9-related conditions. ClinVar contains an entry for this variant (Variation ID: 2194547). Invitae Evidence Modeling of protein sequence and biophysical properties (such as structural, functional, and spatial information, amino acid conservation, physicochemical variation, residue mobility, and thermodynamic stability) indicates that this missense variant is not expected to disrupt SLC7A9 protein function with a negative predictive value of 80%. In summary, the available evidence is currently insufficient to determine the role of this variant in disease. Therefore, it has been classified as a Variant of Uncertain Significance.

NM_014270.5(SLC7A9):c.547G>A (p.Ala183Thr)

Gene: SLC7A9 (solute carrier family 7 member 9; minus strand). Cytogenetic location: 19q13.11.
Variant type: single nucleotide variant.
Coding change: c.547G>A on transcript NM_014270.5 (MANE Select); coding-DNA position 547, G replaced by A.
Protein change: p.Ala183Thr; replaces alanine 183 with threonine.
Molecular consequence: missense variant.
Genome position (GRCh38, 1-based): chr19:32,862,518, C>T on the plus strand (G>A on the coding strand, the complement: SLC7A9 is on the minus strand). VCF-style: chr19-32862518-C-T. GRCh37 (hg19) VCF-style: chr19-33353424-C-T.
Other names: c.547G>A, p.Ala183Thr (NM_001126335.2, NM_001243036.2); short protein forms A183T.
Identifiers: ClinVar variation 2194547 (VCV002194547.4), dbSNP rs201766636, ClinGen allele CA9358788.